The following is an entry in ClinVar:

NM_003002.4(SDHD):c.297C>G (p.Leu99=)

Gene: SDHD (succinate dehydrogenase complex subunit D; plus strand). Cytogenetic location: 11q23.1.
Variant type: single nucleotide variant.
Coding change: c.297C>G on transcript NM_003002.4 (MANE Select); coding-DNA position 297, C replaced by G.
Protein change: p.Leu99=; no amino-acid change (leucine 99 retained).
Molecular consequence: synonymous variant. On other transcripts: non-coding transcript variant (1), intron variant (1).
Genome position (GRCh38, 1-based): chr11:112,088,994, C>G. VCF-style: chr11-112088994-C-G. GRCh37 (hg19) VCF-style: chr11-111959718-C-G.
Other names: c.180C>G, p.Leu60= (NM_001276504.2); c.297C>G, p.Leu99= (NM_001276506.2); c.169+1021C>G (NM_001276503.2); c.297C>G (NM_003002.2).
Identifiers: ClinVar variation 3754505 (VCV003754505.4).

ClinVar aggregate classification (germline): Benign/Likely benign. Review status: criteria provided, multiple submitters, no conflicts (2 of 4 stars). 3 submissions from 3 submitters: Benign (1); Likely benign (2). Last evaluated 2025-08-22.

Conditions:
Pheochromocytoma. Also called: MAX-Related Hereditary Paraganglioma-Pheochromocytoma Syndrome. Identifiers: Orphanet 29072, MedGen C0031511, MONDO:0008233, OMIM 171300, HP:0002666.
Carney-Stratakis syndrome. Also called: PARAGANGLIOMA AND GASTROINTESTINAL STROMAL TUMOR. Identifiers: Orphanet 97286, MedGen C1847319, MONDO:0011740, OMIM 606864.
Cowden syndrome 3 (CWS3). Identifiers: Orphanet 201, MedGen CN166604, MONDO:0014045.
Paragangliomas with sensorineural hearing loss. Identifiers: MedGen C1868633.
Pheochromocytoma/paraganglioma syndrome 1. Also called: PARAGANGLIOMATA; Paragangliomas 1; Glomus tumors familial 1; Paraganglioma - glomus jugulare; SDHD-Related Hereditary Paraganglioma-Pheochromocytoma Syndrome; PARAGANGLIOMAS, FAMILIAL NONCHROMAFFIN, 1. Identifiers: Orphanet 29072, MedGen C3494181, MONDO:0008192, OMIM 168000.
Hereditary cancer-predisposing syndrome. Also called: Neoplastic Syndromes, Hereditary; Tumor predisposition; Hereditary Cancer Syndrome; Hereditary neoplastic syndrome. Identifiers: Orphanet 140162, MedGen C0027672, MeSH D009386, MONDO:0015356.

Submissions (3):

Ambry Genetics
Classification: Likely benign for Hereditary cancer-predisposing syndrome. Last evaluated: 2025-08-22. Review status: criteria provided, single submitter. Criteria: Ambry Variant Classification Scheme 2023. Collection method: clinical testing. Allele origin: germline.

Myriad Genetics, Inc.
Classification: Benign for Pheochromocytoma/paraganglioma syndrome 1. Last evaluated: 2025-03-17. Review status: criteria provided, single submitter. Criteria: Myriad Autosomal Dominant, Autosomal Recessive and X-Linked Classification Criteria (2023). Collection method: clinical testing. Allele origin: unknown.
Comment: This variant is considered benign. This variant is a silent/synonymous amino acid change and it is not expected to impact splicing.

Labcorp Genetics (formerly Invitae), Labcorp
Classification: Likely benign for Carney-Stratakis syndrome; Paragangliomas with sensorineural hearing loss; Pheochromocytoma; Cowden syndrome 3. Last evaluated: 2024-02-08. Review status: criteria provided, single submitter. Criteria: Invitae Variant Classification Sherloc (09022015). Collection method: clinical testing. Allele origin: germline.